The following is an entry in ClinVar:

NM_001171.6(ABCC6):c.3420C>A (p.Phe1140Leu)

Gene: ABCC6 (ATP binding cassette subfamily C member 6; minus strand). Cytogenetic location: 16p13.11.
Variant type: single nucleotide variant.
Coding change: c.3420C>A on transcript NM_001171.6 (MANE Select); coding-DNA position 3420, C replaced by A.
Protein change: p.Phe1140Leu; replaces phenylalanine 1140 with leucine.
Molecular consequence: missense variant.
Genome position (GRCh38, 1-based): chr16:16,163,079, G>T on the plus strand (C>A on the coding strand, the complement: ABCC6 is on the minus strand). VCF-style: chr16-16163079-G-T. GRCh37 (hg19) VCF-style: chr16-16256936-G-T.
Other names: c.3078C>A, p.Phe1026Leu (NM_001351800.1); short protein forms F1140L, F1026L.
Identifiers: ClinVar variation 1393203 (VCV001393203.8), dbSNP rs1184430665, ClinGen allele CA394881385.

ClinVar aggregate classification (germline): Uncertain significance (1 of 4 stars; one submission).

Allele frequency attached by ClinVar (database versions not stated): TOPMed below 0.00001; gnomAD 0.00001.
gnomAD v4.1: 1 of 1,613,820 alleles (0.000062%); highest among the groups gnomAD compares: African/African-American, 0.0013%; no homozygotes.

Submission:

Labcorp Genetics (formerly Invitae), Labcorp
Classification: Uncertain significance. Last evaluated: 2022-08-16. Review status: criteria provided, single submitter. Criteria: Invitae Variant Classification Sherloc (09022015). Collection method: clinical testing. Allele origin: germline.
Comment: In summary, the available evidence is currently insufficient to determine the role of this variant in disease. Therefore, it has been classified as a Variant of Uncertain Significance. Algorithms developed to predict the effect of missense changes on protein structure and function are either unavailable or do not agree on the potential impact of this missense change (SIFT: "Tolerated"; PolyPhen-2: "Probably Damaging"; Align-GVGD: "Class C0"). ClinVar contains an entry for this variant (Variation ID: 1393203). This variant has not been reported in the literature in individuals affected with ABCC6-related conditions. This variant is not present in population databases (gnomAD no frequency). This sequence change replaces phenylalanine, which is neutral and non-polar, with leucine, which is neutral and non-polar, at codon 1140 of the ABCC6 protein (p.Phe1140Leu).